The following is an entry in ClinVar:

ClinVar aggregate classification (germline): Likely benign. Review status: reviewed by expert panel (3 of 4 stars). 9 submissions from 9 submitters: Likely benign (1). 8 of the submissions do not count toward it. Last evaluated 2017-06-29.

Conditions:
BRCA2-related cancer predisposition. Identifiers: MedGen CN377758, MONDO:0700269.
Hereditary cancer-predisposing syndrome. Also called: Tumor predisposition; Hereditary Cancer Syndrome; Hereditary neoplastic syndrome; Neoplastic Syndromes, Hereditary. Identifiers: Orphanet 140162, MedGen C0027672, MeSH D009386, MONDO:0015356.
Hereditary breast ovarian cancer syndrome. Also called: Breast and ovarian cancer; Hereditary breast and ovarian cancer syndrome; Hereditary breast and ovarian cancer; BRCA1- and BRCA2-Associated Hereditary Breast and Ovarian Cancer; Hereditary breast and ovarian cancer syndrome (HBOC); Hereditary breast and/or ovarian cancer syndrome. Identifiers: Orphanet 145, MedGen C0677776, MeSH D061325, MONDO:0003582. Disease mechanism: loss of function.
Breast-ovarian cancer, familial, susceptibility to, 2 (BROVCA2). Also called: BRCA2 Hereditary Breast and Ovarian Cancer. Identifiers: Orphanet 145, MedGen C2675520, MONDO:0012933, OMIM 612555. Disease mechanism: loss of function.

Allele frequency attached by ClinVar (database versions not stated): gnomAD exomes below 0.00001; gnomAD 0.00003 and 0.00004; TOPMed 0.00003.

Submissions (9):

Evidence-based Network for the Interpretation of Germline Mutant Alleles (ENIGMA)
Classification: Likely benign for Breast-ovarian cancer, familial, susceptibility to, 2. Last evaluated: 2017-06-29. Review status: reviewed by expert panel. Criteria: ENIGMA BRCA1/2 Classification Criteria (2017-06-29). Collection method: curation. Allele origin: germline.
Comment: Synonymous substitution variant, with low bioinformatic likelihood to result in a splicing aberration (Splicing prior probability 0.02).

Labcorp Genetics (formerly Invitae), Labcorp
Classification: Likely benign for Hereditary breast ovarian cancer syndrome. Last evaluated: 2025-12-24. Review status: criteria provided, single submitter. Criteria: Invitae Variant Classification Sherloc (09022015). Collection method: clinical testing. Allele origin: germline. Not counted in ClinVar's aggregate classification.

Quest Diagnostics Nichols Institute San Juan Capistrano
Classification: Likely benign. Last evaluated: 2025-03-11. Review status: criteria provided, single submitter. Criteria: Quest Diagnostics criteria. Collection method: clinical testing. Allele origin: unknown. Not counted in ClinVar's aggregate classification.

All of Us Research Program, National Institutes of Health
Classification: Likely benign for BRCA2-related cancer predisposition. Last evaluated: 2024-08-23. Review status: criteria provided, single submitter. Criteria: ACMG Guidelines, 2015. Collection method: clinical testing. Allele origin: germline. Inheritance: Autosomal dominant inheritance. Observed: 2 variant alleles, 2 heterozygotes. Not counted in ClinVar's aggregate classification.
Comment: This study involves interpretation of variants in research participants for the purpose of population health screening. Participant phenotype was not available at the time of variant classification. Additional details can be found in publication PMID: 35346344, PMCID: PMC8962531

Women's Health and Genetics/Laboratory Corporation of America, LabCorp
Classification: Likely benign. Last evaluated: 2021-07-19. Review status: criteria provided, single submitter. Criteria: LabCorp Variant Classification Summary - May 2015. Collection method: clinical testing. Allele origin: germline. Not counted in ClinVar's aggregate classification.

Genetic Services Laboratory, University of Chicago
Classification: Uncertain significance. Last evaluated: 2018-09-07. Review status: criteria provided, single submitter. Criteria: ACMG Guidelines, 2015. Collection method: clinical testing. Allele origin: germline. Affected: no. Not counted in ClinVar's aggregate classification.

Color Diagnostics, LLC DBA Color Health
Classification: Likely benign for Hereditary cancer-predisposing syndrome. Last evaluated: 2018-03-24. Review status: criteria provided, single submitter. Criteria: ACMG Guidelines, 2015. Collection method: clinical testing. Allele origin: germline. Not counted in ClinVar's aggregate classification.

Ambry Genetics
Classification: Likely benign for Hereditary cancer-predisposing syndrome. Last evaluated: 2016-10-07. Review status: criteria provided, single submitter. Criteria: Ambry Variant Classification Scheme 2023. Collection method: clinical testing. Allele origin: germline. Not counted in ClinVar's aggregate classification.

GeneDx
Classification: Benign. Last evaluated: 2015-03-03. Review status: criteria provided, single submitter. Criteria: GeneDx Variant Classification Process June 2021. Collection method: clinical testing. Allele origin: germline. Affected: yes. Not counted in ClinVar's aggregate classification.

NM_000059.4(BRCA2):c.3840T>C (p.Asp1280=)

Gene: BRCA2 (BRCA2 DNA repair associated; plus strand). Cytogenetic location: 13q13.1.
Variant type: single nucleotide variant.
Coding change: c.3840T>C on transcript NM_000059.4 (MANE Select); coding-DNA position 3840, T replaced by C.
Protein change: p.Asp1280=; no amino-acid change (aspartic acid 1280 retained).
Molecular consequence: synonymous variant.
Genome position (GRCh38, 1-based): chr13:32,338,195, T>C. VCF-style: chr13-32338195-T-C. GRCh37 (hg19) VCF-style: chr13-32912332-T-C.
Identifiers: ClinVar variation 184196 (VCV000184196.30), dbSNP rs786201327, ClinGen allele CA018918.